The following is an entry in ClinVar:

NM_000059.4(BRCA2):c.68-19G>T

Gene: BRCA2 (BRCA2 DNA repair associated; plus strand). Cytogenetic location: 13q13.1.
Variant type: single nucleotide variant.
Coding change: c.68-19G>T on transcript NM_000059.4 (MANE Select); 19 bases into the intron before coding-DNA position 68, G replaced by T.
Molecular consequence: intron variant.
Genome position (GRCh38, 1-based): chr13:32,319,058, G>T. VCF-style: chr13-32319058-G-T. GRCh37 (hg19) VCF-style: chr13-32893195-G-T.
Identifiers: ClinVar variation 749793 (VCV000749793.12), dbSNP rs747261314, ClinGen allele CA247480490.

ClinVar aggregate classification (germline): Benign/Likely benign. Review status: criteria provided, multiple submitters, no conflicts (2 of 4 stars). 2 submissions from 2 submitters: Benign (1); Likely benign (1). Last evaluated 2026-04-07.

Conditions:
Breast-ovarian cancer, familial, susceptibility to, 2 (BROVCA2). Also called: BRCA2 Hereditary Breast and Ovarian Cancer. Identifiers: Orphanet 145, MedGen C2675520, MONDO:0012933, OMIM 612555. Disease mechanism: loss of function.
Hereditary breast ovarian cancer syndrome. Also called: Hereditary breast and ovarian cancer; Hereditary breast and/or ovarian cancer syndrome; Hereditary breast and ovarian cancer syndrome; Breast and ovarian cancer; BRCA1- and BRCA2-Associated Hereditary Breast and Ovarian Cancer; Hereditary breast and ovarian cancer syndrome (HBOC). Identifiers: Orphanet 145, MedGen C0677776, MeSH D061325, MONDO:0003582. Disease mechanism: loss of function.

Allele frequency attached by ClinVar (database versions not stated): gnomAD 0.00001.
gnomAD v4.1: 10 of 1,611,166 alleles (0.00062%); highest among the groups gnomAD compares: Non-Finnish European, 0.00085%; no homozygotes.

Submissions (2):

Myriad Genetics, Inc.
Classification: Benign for Breast-ovarian cancer, familial, susceptibility to, 2. Last evaluated: 2026-04-07. Review status: criteria provided, single submitter. Criteria: Myriad Autosomal Dominant, Autosomal Recessive and X-Linked Classification Criteria (2023). Collection method: clinical testing. Allele origin: unknown.
Comment: This variant is considered benign. This variant is intronic and is not expected to impact mRNA splicing. This variant is strongly associated with less severe personal and family histories of cancer, typical for individuals without pathogenic variants in this gene [PMID: 25085752].

Labcorp Genetics (formerly Invitae), Labcorp
Classification: Likely benign for Hereditary breast ovarian cancer syndrome. Last evaluated: 2026-01-11. Review status: criteria provided, single submitter. Criteria: Invitae Variant Classification Sherloc (09022015). Collection method: clinical testing. Allele origin: germline.

Literature cited by the submitters: PubMed 25085752 (cited by Myriad Genetics, Inc.).